The following is an entry in ClinVar:

NM_006361.6(HOXB13):c.350G>A (p.Gly117Glu)

Gene: HOXB13 (homeobox B13; minus strand). Cytogenetic location: 17q21.32.
Variant type: single nucleotide variant.
Coding change: c.350G>A on transcript NM_006361.6 (MANE Select); coding-DNA position 350, G replaced by A.
Protein change: p.Gly117Glu; replaces glycine 117 with glutamic acid.
Molecular consequence: missense variant.
Genome position (GRCh38, 1-based): chr17:48,728,244, C>T on the plus strand (G>A on the coding strand, the complement: HOXB13 is on the minus strand). VCF-style: chr17-48728244-C-T. GRCh37 (hg19) VCF-style: chr17-46805606-C-T.
Other names: short protein forms G117E.
Identifiers: ClinVar variation 823867 (VCV000823867.14), dbSNP rs760111060, ClinGen allele CA8634001.

ClinVar aggregate classification (germline): Uncertain significance. Review status: criteria provided, multiple submitters, no conflicts (2 of 4 stars). 3 submissions from 3 submitters: Uncertain significance (3). Last evaluated 2026-02-03.

Conditions:
Hereditary cancer-predisposing syndrome. Also called: Neoplastic Syndromes, Hereditary; Tumor predisposition; Hereditary neoplastic syndrome; Hereditary Cancer Syndrome. Identifiers: Orphanet 140162, MedGen C0027672, MeSH D009386, MONDO:0015356.

Allele frequency attached by ClinVar (database versions not stated): ExAC 0.00002; gnomAD exomes 0.00002.

Submissions (3):

Labcorp Genetics (formerly Invitae), Labcorp
Classification: Uncertain significance. Last evaluated: 2026-02-03. Review status: criteria provided, single submitter. Criteria: Invitae Variant Classification Sherloc (09022015). Collection method: clinical testing. Allele origin: germline.
Comment: This sequence change replaces glycine, which is neutral and non-polar, with glutamic acid, which is acidic and polar, at codon 117 of the HOXB13 protein (p.Gly117Glu). This variant is present in population databases (rs760111060, gnomAD 0.01%). This variant has not been reported in the literature in individuals affected with HOXB13-related conditions. ClinVar contains an entry for this variant (Variation ID: 823867). Invitae Evidence Modeling of protein sequence and biophysical properties (such as structural, functional, and spatial information, amino acid conservation, physicochemical variation, residue mobility, and thermodynamic stability) indicates that this missense variant is not expected to disrupt HOXB13 protein function with a negative predictive value of 80%. In summary, the available evidence is currently insufficient to determine the role of this variant in disease. Therefore, it has been classified as a Variant of Uncertain Significance.

Ambry Genetics
Classification: Uncertain significance for Hereditary cancer-predisposing syndrome. Last evaluated: 2025-09-16. Review status: criteria provided, single submitter. Criteria: Ambry Variant Classification Scheme 2023. Collection method: clinical testing. Allele origin: germline.
Comment: The p.G117E variant (also known as c.350G>A), located in coding exon 1 of the HOXB13 gene, results from a G to A substitution at nucleotide position 350. The glycine at codon 117 is replaced by glutamic acid, an amino acid with similar properties. This amino acid position is not well conserved in available vertebrate species. In addition, this alteration is predicted to be tolerated by in silico analysis. Since supporting evidence is limited at this time, the clinical significance of this alteration remains unclear.

GeneDx
Classification: Uncertain significance. Last evaluated: 2024-03-15. Review status: criteria provided, single submitter. Criteria: GeneDx Variant Classification Process June 2021. Collection method: clinical testing. Allele origin: germline. Affected: yes.
Comment: Not observed at significant frequency in large population cohorts (gnomAD); In silico analysis supports that this missense variant has a deleterious effect on protein structure/function; Observed in both cases and controls in a study of biliary tract cancers (PMID: 36243179); This variant is associated with the following publications: (PMID: 28272408, 36243179)

Literature cited by the submitters: PubMed 28272408 (cited by Ambry Genetics).